The following is an entry in ClinVar:

ClinVar aggregate classification (germline): Uncertain significance (1 of 4 stars; one submission).

gnomAD v4.1: 3 of 1,613,952 alleles (0.00019%); highest among the groups gnomAD compares: Non-Finnish European, 0.00025%; no homozygotes.

Submission:

Labcorp Genetics (formerly Invitae), Labcorp
Classification: Uncertain significance. Last evaluated: 2026-01-05. Review status: criteria provided, single submitter. Criteria: Invitae Variant Classification Sherloc (09022015). Collection method: clinical testing. Allele origin: germline.
Comment: This sequence change replaces asparagine, which is neutral and polar, with histidine, which is basic and polar, at codon 369 of the COQ8A protein (p.Asn369His). This variant is not present in population databases (gnomAD no frequency). This variant has not been reported in the literature in individuals affected with COQ8A-related conditions. Invitae Evidence Modeling of protein sequence and biophysical properties (such as structural, functional, and spatial information, amino acid conservation, physicochemical variation, residue mobility, and thermodynamic stability) has been performed for this missense variant. However, the output from this modeling did not meet the statistical confidence thresholds required to predict the impact of this variant on COQ8A protein function. In summary, the available evidence is currently insufficient to determine the role of this variant in disease. Therefore, it has been classified as a Variant of Uncertain Significance.

NM_020247.5(COQ8A):c.1105A>C (p.Asn369His)

Gene: COQ8A (coenzyme Q8A; plus strand). Cytogenetic location: 1q42.13.
Variant type: single nucleotide variant.
Coding change: c.1105A>C on transcript NM_020247.5 (MANE Select); coding-DNA position 1105, A replaced by C.
Protein change: p.Asn369His; replaces asparagine 369 with histidine.
Molecular consequence: missense variant.
Genome position (GRCh38, 1-based): chr1:226,983,576, A>C. VCF-style: chr1-226983576-A-C. GRCh37 (hg19) VCF-style: chr1-227171277-A-C.
Other names: short protein forms N369H.
Identifiers: ClinVar variation 4778775 (VCV004778775.1).
Genomic context (GRCh38, chr1:226,983,576, plus strand): 5'-TGGGCTAACTCCCCTGCCTCACCCATACCCCCACAGTACCCTGGCGTGGCCCAGAGCATC[A>C]ACAGTGATGTCAACAACCTCATGGCCGTGTTGAACATGAGCAACATGCTTCCAGAAGGTC-3'
Protein context (NP_064632.2, residues 359-379): IQYPGVAQSI[Asn369His]SDVNNLMAVL